The following is an entry in ClinVar:

NM_001099922.3(ALG13):c.1831C>T (p.Leu611Phe)

Gene: ALG13 (ALG13 UDP-N-acetylglucosaminyltransferase subunit; plus strand). Cytogenetic location: Xq23.
Variant type: single nucleotide variant.
Coding change: c.1831C>T on transcript NM_001099922.3 (MANE Select); coding-DNA position 1831, C replaced by T.
Protein change: p.Leu611Phe; replaces leucine 611 with phenylalanine.
Molecular consequence: missense variant. On other transcripts: non-coding transcript variant (1).
Genome position (GRCh38, 1-based): chrX:111,726,910, C>T. VCF-style: chrX-111726910-C-T. GRCh37 (hg19) VCF-style: chrX-110970138-C-T.
Other names: c.1519C>T, p.Leu507Phe (NM_001257230.2, NM_001257234.2, NM_001257237.2); c.1597C>T, p.Leu533Phe (NM_001257231.2); c.1831C>T, p.Leu611Phe (NM_001324292.2); c.1345C>T, p.Leu449Phe (NM_001324293.1); short protein forms L611F, L507F, L533F, L449F.
Identifiers: ClinVar variation 508540 (VCV000508540.13), dbSNP rs199505558, ClinGen allele CA10493772.

ClinVar aggregate classification (germline): Likely benign. Review status: criteria provided, multiple submitters, no conflicts (2 of 4 stars). 3 submissions from 3 submitters: Likely benign (3). Last evaluated 2025-06-14.

Conditions:
Developmental and epileptic encephalopathy, 1 (DEE1). Also called: OHTAHARA SYNDROME, X-LINKED; X-linked infantile spasms; West's syndrome; Tonic spasms with clustering, arrest of psychomotor development and hypsarrhythmia on EEG; X-Linked Infantile Spasm Syndrome; Epileptic encephalopathy, early infantile, 1. Identifiers: MedGen C3463992, MONDO:0010632, OMIM 308350. Disease mechanism: loss of function.
Congenital disorder of glycosylation (CDG). Also called: Carbohydrate-deficient glycoprotein syndrome; Congenital disorders of glycosylation. Identifiers: Orphanet 137, MedGen C0282577, MONDO:0015286.
Developmental and epileptic encephalopathy, 36 (DEE36). Also called: Epileptic encephalopathy, early infantile, 36; Congenital disorder of glycosylation, type Is; ALG13-CDG. Identifiers: Orphanet 324422, MedGen C4317295, MONDO:0010472, OMIM 300884.

Allele frequency attached by ClinVar (database versions not stated): gnomAD 0.00005; TOPMed 0.00012; ESP Exome Variant Server 0.00025.
gnomAD v4.1: 103 of 1,209,548 alleles (0.0085%); highest among the groups gnomAD compares: Non-Finnish European, 0.011%; no homozygotes.

Submissions (3):

Labcorp Genetics (formerly Invitae), Labcorp
Classification: Likely benign for Developmental and epileptic encephalopathy, 36. Last evaluated: 2025-06-14. Review status: criteria provided, single submitter. Criteria: Invitae Variant Classification Sherloc (09022015). Collection method: clinical testing. Allele origin: germline.

Blueprint Genetics
Classification: Likely benign. Last evaluated: 2023-10-04. Review status: criteria provided, single submitter. Criteria: ACMG Guidelines, 2015. Collection method: clinical testing. Allele origin: germline.

GeneDx
Classification: Likely benign. Last evaluated: 2017-03-30. Review status: criteria provided, single submitter. Criteria: GeneDx Variant Classification (06012015). Collection method: clinical testing. Allele origin: germline. Affected: yes.
Comment: This variant is considered likely benign or benign based on one or more of the following criteria: it is a conservative change, it occurs at a poorly conserved position in the protein, it is predicted to be benign by multiple in silico algorithms, and/or has population frequency not consistent with disease.